The following is an entry in ClinVar:

ClinVar aggregate classification (germline): Uncertain significance (1 of 4 stars; one submission).

Conditions:
Bardet-Biedl syndrome (BBS). Identifiers: Orphanet 110, MedGen C0752166, MONDO:0015229.

Submission:

Labcorp Genetics (formerly Invitae), Labcorp
Classification: Uncertain significance for Bardet-Biedl syndrome. Last evaluated: 2024-10-15. Review status: criteria provided, single submitter. Criteria: Invitae Variant Classification Sherloc (09022015). Collection method: clinical testing. Allele origin: germline.
Comment: This sequence change replaces arginine, which is basic and polar, with isoleucine, which is neutral and non-polar, at codon 693 of the WDPCP protein (p.Arg693Ile). This variant also falls at the last nucleotide of exon 15, which is part of the consensus splice site for this exon. This variant is not present in population databases (gnomAD no frequency). This variant has not been reported in the literature in individuals affected with WDPCP-related conditions. ClinVar contains an entry for this variant (Variation ID: 2142126). An algorithm developed to predict the effect of missense changes on protein structure and function (PolyPhen-2) suggests that this variant is likely to be disruptive. Variants that disrupt the consensus splice site are a relatively common cause of aberrant splicing (PMID: 17576681, 9536098). Algorithms developed to predict the effect of sequence changes on RNA splicing suggest that this variant may disrupt the consensus splice site. In summary, the available evidence is currently insufficient to determine the role of this variant in disease. Therefore, it has been classified as a Variant of Uncertain Significance.

Literature cited by the submitters: PubMed 17576681; PubMed 9536098.

NM_015910.7(WDPCP):c.2078G>T (p.Arg693Ile)

Gene: WDPCP (WD repeat containing planar cell polarity effector; minus strand). Cytogenetic location: 2p15.
Variant type: single nucleotide variant.
Coding change: c.2078G>T on transcript NM_015910.7 (MANE Select); coding-DNA position 2078, G replaced by T.
Protein change: p.Arg693Ile; replaces arginine 693 with isoleucine.
Molecular consequence: missense variant. On other transcripts: non-coding transcript variant (3).
Genome position (GRCh38, 1-based): chr2:63,174,670, C>A on the plus strand (G>T on the coding strand, the complement: WDPCP is on the minus strand). VCF-style: chr2-63174670-C-A. GRCh37 (hg19) VCF-style: chr2-63401805-C-A.
Other names: c.1601G>T, p.Arg534Ile (NM_001042692.3); c.2006G>T, p.Arg669Ile (NM_001354044.2); short protein forms R693I, R669I, R534I.
Identifiers: ClinVar variation 2142126 (VCV002142126.4), dbSNP rs2469249458, ClinGen allele CA347056387.
Genomic context (GRCh38, chr2:63,174,670, plus strand): 5'-ATTTGAACAGGTAATACTAAATACTTTATGGAGCAATTTCCTCAGTTCAACATTTCTTAC[C>A]TGTTAGAAGAGCCATTCAGTATTCTTTGTTGTAAAATATGTCTGTGGGTTGGGCAAGAGG-3'
Protein context (NP_056994.3, residues 683-703): QQRILNGSSN[Arg693Ile]QIIDRRNELE